The following is an entry in ClinVar:

ClinVar aggregate classification (germline): Uncertain significance (1 of 4 stars; one submission).

Conditions:
Arrhythmogenic right ventricular dysplasia 10. Also called: Arrhythmogenic Right Ventricular Dysplasia/Cardiomyopathy10; Arrhythmogenic right ventricular dysplasia/cardiomyopathy, type 10; ARRHYTHMOGENIC RIGHT VENTRICULAR DYSPLASIA, FAMILIAL, 10. Identifiers: MedGen C1857777, MONDO:0012434, OMIM 610193.

Submission:

Labcorp Genetics (formerly Invitae), Labcorp
Classification: Uncertain significance for Arrhythmogenic right ventricular dysplasia 10. Last evaluated: 2024-09-06. Review status: criteria provided, single submitter. Criteria: Invitae Variant Classification Sherloc (09022015). Collection method: clinical testing. Allele origin: germline.
Comment: This sequence change replaces asparagine, which is neutral and polar, with tyrosine, which is neutral and polar, at codon 33 of the DSG2 protein (p.Asn33Tyr). This variant is not present in population databases (gnomAD no frequency). This variant has not been reported in the literature in individuals affected with DSG2-related conditions. Invitae Evidence Modeling of protein sequence and biophysical properties (such as structural, functional, and spatial information, amino acid conservation, physicochemical variation, residue mobility, and thermodynamic stability) indicates that this missense variant is not expected to disrupt DSG2 protein function with a negative predictive value of 95%. In summary, the available evidence is currently insufficient to determine the role of this variant in disease. Therefore, it has been classified as a Variant of Uncertain Significance.

NM_001943.5(DSG2):c.97A>T (p.Asn33Tyr)

Gene: DSG2 (desmoglein 2; plus strand). Cytogenetic location: 18q12.1.
Variant type: single nucleotide variant.
Coding change: c.97A>T on transcript NM_001943.5 (MANE Select); coding-DNA position 97, A replaced by T.
Protein change: p.Asn33Tyr; replaces asparagine 33 with tyrosine.
Molecular consequence: missense variant.
Genome position (GRCh38, 1-based): chr18:31,519,818, A>T. VCF-style: chr18-31519818-A-T. GRCh37 (hg19) VCF-style: chr18-29099781-A-T.
Other names: short protein forms N33Y.
Identifiers: ClinVar variation 3637540 (VCV003637540.2).
Genomic context (GRCh38, chr18:31,519,818, plus strand): 5'-TATTTATGACACATAATAAATTTTGGCAATATTCTATTGTTATAGGTCTTAAGCACAAGA[A>T]ATGAAAATAAGCTGCTTCCTAAACATCCTCATTTAGTGCGGCAAAAGCGCGCCTGGATCA-3'
Protein context (NP_001934.2, residues 23-43): GLHLQVLSTR[Asn33Tyr]ENKLLPKHPH